The following is an entry in ClinVar:

NM_021102.4(SPINT2):c.553C>T (p.Arg185Cys)

Gene: SPINT2 (serine peptidase inhibitor, Kunitz type 2; plus strand). Cytogenetic location: 19q13.2.
Variant type: single nucleotide variant.
Coding change: c.553C>T on transcript NM_021102.4 (MANE Select); coding-DNA position 553, C replaced by T.
Protein change: p.Arg185Cys; replaces arginine 185 with cysteine.
Molecular consequence: missense variant.
Genome position (GRCh38, 1-based): chr19:38,290,280, C>T. VCF-style: chr19-38290280-C-T. GRCh37 (hg19) VCF-style: chr19-38780920-C-T.
Other names: c.382C>T, p.Arg128Cys (NM_001166103.2); short protein forms R128C, R185C.
Identifiers: ClinVar variation 1028719 (VCV001028719.7), dbSNP rs781030322, ClinGen allele CA9411501.

ClinVar aggregate classification (germline): Uncertain significance. Review status: criteria provided, multiple submitters, no conflicts (2 of 4 stars). 2 submissions from 2 submitters: Uncertain significance (2). Last evaluated 2021-08-30.

Conditions:
Congenital secretory sodium diarrhea 3 (DIAR3). Also called: DIARRHEA 3, SECRETORY SODIUM, CONGENITAL, WITH OR WITHOUT OTHER CONGENITAL ANOMALIES; Diarrhea 3, secretory sodium, congenital, syndromic. Identifiers: Orphanet 103908, MedGen C5441927, MONDO:0010036, OMIM 270420.
Congenital sodium diarrhea. Also called: Congenital secretory diarrhea, sodium type. Identifiers: Orphanet 103908, MedGen C0267663, MONDO:0015170.

Allele frequency attached by ClinVar (database versions not stated): gnomAD 0.00001 and 0.00002; gnomAD exomes 0.00002 and 0.00003; TOPMed 0.00002; ExAC 0.00003.
gnomAD v4.1: 43 of 1,611,416 alleles (0.0027%); highest among the groups gnomAD compares: Non-Finnish European, 0.0031%; no homozygotes.

Submissions (2):

Labcorp Genetics (formerly Invitae), Labcorp
Classification: Uncertain significance. Last evaluated: 2021-08-30. Review status: criteria provided, single submitter. Criteria: Invitae Variant Classification Sherloc (09022015). Collection method: clinical testing. Allele origin: germline.
Comment: This sequence change replaces arginine with cysteine at codon 185 of the SPINT2 protein (p.Arg185Cys). The arginine residue is weakly conserved and there is a large physicochemical difference between arginine and cysteine. This variant is present in population databases (rs781030322, ExAC 0.01%). This variant has not been reported in the literature in individuals affected with SPINT2-related conditions. Algorithms developed to predict the effect of missense changes on protein structure and function are either unavailable or do not agree on the potential impact of this missense change (SIFT: "Deleterious"; PolyPhen-2: "Possibly Damaging"; Align-GVGD: "Class C15"). Algorithms developed to predict the effect of sequence changes on RNA splicing suggest that this variant may disrupt the consensus splice site. In summary, the available evidence is currently insufficient to determine the role of this variant in disease. Therefore, it has been classified as a Variant of Uncertain Significance.

Baylor Genetics
Classification: Uncertain significance for Congenital secretory sodium diarrhea 3. Last evaluated: 2019-02-06. Review status: criteria provided, single submitter. Criteria: ACMG Guidelines, 2015. Collection method: clinical testing. Allele origin: paternal. Affected: yes.
Comment: This variant was determined to be of uncertain significance according to ACMG Guidelines, 2015 [PMID:25741868].